The following is an entry in ClinVar:

ClinVar aggregate classification (germline): Uncertain significance. Review status: criteria provided, multiple submitters, no conflicts (2 of 4 stars). 3 submissions from 3 submitters: Uncertain significance (2). 1 of the submissions does not count toward it. Last evaluated 2024-03-15.

Conditions:
Usher syndrome type 1 (USH1). Also called: RETINITIS PIGMENTOSA AND CONGENITAL DEAFNESS. Identifiers: Orphanet 231169, Orphanet 886, MedGen C1568247, MONDO:0010168, OMIM 276900.
Inborn genetic diseases. Identifiers: MedGen C0950123, MeSH D030342.

Allele frequency attached by ClinVar (database versions not stated): 1000 Genomes Project 30x 0.00047; gnomAD exomes 0.00002; TOPMed 0.00008; ExAC 0.00003; gnomAD 0.00012; ESP Exome Variant Server 0.00015; 1000 Genomes Project 0.00040.
gnomAD v4.1: 40 of 1,612,138 alleles (0.0025%); highest among the groups gnomAD compares: African/African-American, 0.052%; no homozygotes.

Submissions (3):

Ambry Genetics
Classification: Uncertain significance for Inborn genetic diseases. Last evaluated: 2024-03-15. Review status: criteria provided, single submitter. Criteria: Ambry Variant Classification Scheme 2023. Collection method: clinical testing. Allele origin: germline.

Labcorp Genetics (formerly Invitae), Labcorp
Classification: Uncertain significance. Last evaluated: 2022-08-22. Review status: criteria provided, single submitter. Criteria: Invitae Variant Classification Sherloc (09022015). Collection method: clinical testing. Allele origin: germline.
Comment: This sequence change replaces isoleucine, which is neutral and non-polar, with methionine, which is neutral and non-polar, at codon 2027 of the CDH23 protein (p.Ile2027Met). This variant is present in population databases (rs114919561, gnomAD 0.04%). This variant has not been reported in the literature in individuals affected with CDH23-related conditions. ClinVar contains an entry for this variant (Variation ID: 990285). Algorithms developed to predict the effect of missense changes on protein structure and function are either unavailable or do not agree on the potential impact of this missense change (SIFT: "Deleterious"; PolyPhen-2: "Not Available"; Align-GVGD: "Class C0"). In summary, the available evidence is currently insufficient to determine the role of this variant in disease. Therefore, it has been classified as a Variant of Uncertain Significance.

Natera, Inc.
Classification: Uncertain significance for Usher syndrome type 1. Last evaluated: 2020-04-17. Review status: no assertion criteria provided. Collection method: clinical testing. Allele origin: germline. Not counted in ClinVar's aggregate classification.

NM_022124.6(CDH23):c.6081T>G (p.Ile2027Met)

Gene: CDH23 (cadherin related 23; plus strand). Cytogenetic location: 10q22.1.
Variant type: single nucleotide variant.
Coding change: c.6081T>G on transcript NM_022124.6 (MANE Select); coding-DNA position 6081, T replaced by G.
Protein change: p.Ile2027Met; replaces isoleucine 2027 with methionine.
Molecular consequence: missense variant.
Genome position (GRCh38, 1-based): chr10:71,791,163, T>G. VCF-style: chr10-71791163-T-G. GRCh37 (hg19) VCF-style: chr10-73550920-T-G.
Other names: c.6081T>G (NM_022124.5); short protein forms I2027M.
Identifiers: ClinVar variation 990285 (VCV000990285.4), dbSNP rs114919561, ClinGen allele CA5545993.